The following is an entry in ClinVar:

ClinVar aggregate classification (germline): Uncertain significance (1 of 4 stars; one submission).

Conditions:
CAMTA1-related disorder. Also called: CAMTA1-related condition.

Submission:

PreventionGenetics, part of Exact Sciences
Classification: Uncertain significance for CAMTA1-related condition. Last evaluated: 2026-04-09. Review status: criteria provided, single submitter. Criteria: ACMG Guidelines, 2015. Collection method: clinical testing. Allele origin: germline.
Comment: The CAMTA1 c.2210C>G variant is predicted to result in the amino acid substitution p.Pro737Arg. To our knowledge, this variant has not been reported in the literature or in a large population database (gnomAD), indicating this variant is rare. At this time, the clinical significance of this variant is uncertain due to the absence of conclusive functional and genetic evidence.

NM_015215.4(CAMTA1):c.2210C>G (p.Pro737Arg)

Gene: CAMTA1 (calmodulin binding transcription activator 1; plus strand). Cytogenetic location: 1p36.23.
Variant type: single nucleotide variant.
Coding change: c.2210C>G on transcript NM_015215.4 (MANE Select); coding-DNA position 2210, C replaced by G.
Protein change: p.Pro737Arg; replaces proline 737 with arginine.
Molecular consequence: missense variant.
Genome position (GRCh38, 1-based): chr1:7,664,757, C>G. VCF-style: chr1-7664757-C-G. GRCh37 (hg19) VCF-style: chr1-7724817-C-G.
Other names: c.2120C>G, p.Pro707Arg (NM_001349608.2, NM_001349612.2); c.2210C>G, p.Pro737Arg (NM_001349609.2, NM_001349610.2, NM_001410737.1); c.2138C>G, p.Pro713Arg (NM_001410738.1); short protein forms P707R, P713R, P737R.
Identifiers: ClinVar variation 4995589 (VCV004995589.1).